The following is an entry in ClinVar:

NM_000090.4(COL3A1):c.24G>C (p.Gly8=)

Gene: COL3A1 (collagen type III alpha 1 chain; plus strand). Cytogenetic location: 2q32.2.
Variant type: single nucleotide variant.
Coding change: c.24G>C on transcript NM_000090.4 (MANE Select); coding-DNA position 24, G replaced by C.
Protein change: p.Gly8=; no amino-acid change (glycine 8 retained).
Molecular consequence: synonymous variant.
Genome position (GRCh38, 1-based): chr2:188,974,513, G>C. VCF-style: chr2-188974513-G-C. GRCh37 (hg19) VCF-style: chr2-189839239-G-C.
Identifiers: ClinVar variation 3072886 (VCV003072886.4), dbSNP rs754759981, ClinGen allele CA430308480.

ClinVar aggregate classification (germline): Likely benign. Review status: criteria provided, multiple submitters, no conflicts (2 of 4 stars). 2 submissions from 2 submitters: Likely benign (2). Last evaluated 2024-08-24.

Conditions:
Ehlers-Danlos syndrome, type 4 (EDSVASC). Also called: Ehlers-Danlos Syndrome Type IV; Ehlers-Danlos syndrome vascular type; Ehlers Danlos syndrome, ecchymotic type; Ehlers Danlos syndrome, arterial type; Ehlers Danlos syndrome, Sack-Barabas type. Identifiers: Orphanet 286, MedGen C0268338, MONDO:0017314, OMIM 130050.

gnomAD v4.1: 2 of 1,613,994 alleles (0.00012%); highest among the groups gnomAD compares: Non-Finnish European, 0.00017%; no homozygotes.

Submissions (2):

Labcorp Genetics (formerly Invitae), Labcorp
Classification: Likely benign for Ehlers-Danlos syndrome, type 4. Last evaluated: 2024-08-24. Review status: criteria provided, single submitter. Criteria: Invitae Variant Classification Sherloc (09022015). Collection method: clinical testing. Allele origin: germline.

All of Us Research Program, National Institutes of Health
Classification: Likely benign for Ehlers-Danlos syndrome, type 4. Last evaluated: 2024-04-25. Review status: criteria provided, single submitter. Criteria: ACMG Guidelines, 2015. Collection method: clinical testing. Allele origin: germline. Inheritance: Autosomal dominant inheritance. Observed: 2 variant alleles, 2 heterozygotes.
Comment: This study involves interpretation of variants in research participants for the purpose of population health screening. Participant phenotype was not available at the time of variant classification. Additional details can be found in publication PMID: 35346344, PMCID: PMC8962531